The following is an entry in ClinVar:

NM_007347.5(AP4E1):c.490G>A (p.Glu164Lys)

Gene: AP4E1 (adaptor related protein complex 4 subunit epsilon 1; plus strand). Cytogenetic location: 15q21.2.
Variant type: single nucleotide variant.
Coding change: c.490G>A on transcript NM_007347.5 (MANE Select); coding-DNA position 490, G replaced by A.
Protein change: p.Glu164Lys; replaces glutamic acid 164 with lysine.
Molecular consequence: missense variant.
Genome position (GRCh38, 1-based): chr15:50,925,167, G>A. VCF-style: chr15-50925167-G-A. GRCh37 (hg19) VCF-style: chr15-51217364-G-A.
Other names: c.265G>A, p.Glu89Lys (NM_001252127.2); short protein forms E164K, E89K.
Identifiers: ClinVar variation 2418555 (VCV002418555.3), dbSNP rs556357549, ClinGen allele CA7558787.

ClinVar aggregate classification (germline): Uncertain significance (1 of 4 stars; one submission).

Conditions:
Spastic paraplegia. Identifiers: MedGen C0037772, HP:0001258.

Allele frequency attached by ClinVar (database versions not stated): TOPMed below 0.00001; ExAC 0.00001; gnomAD exomes 0.00001; gnomAD 0.00002.
gnomAD v4.1: 10 of 1,613,698 alleles (0.00062%); highest among the groups gnomAD compares: Admixed American, 0.0017%; no homozygotes.

Submission:

Labcorp Genetics (formerly Invitae), Labcorp
Classification: Uncertain significance for Spastic paraplegia. Last evaluated: 2022-08-03. Review status: criteria provided, single submitter. Criteria: Invitae Variant Classification Sherloc (09022015). Collection method: clinical testing. Allele origin: germline.
Comment: This sequence change replaces glutamic acid, which is acidic and polar, with lysine, which is basic and polar, at codon 164 of the AP4E1 protein (p.Glu164Lys). This variant is present in population databases (rs556357549, gnomAD 0.003%). This variant has not been reported in the literature in individuals affected with AP4E1-related conditions. Algorithms developed to predict the effect of missense changes on protein structure and function are either unavailable or do not agree on the potential impact of this missense change (SIFT: "Deleterious"; PolyPhen-2: "Probably Damaging"; Align-GVGD: "Class C0"). In summary, the available evidence is currently insufficient to determine the role of this variant in disease. Therefore, it has been classified as a Variant of Uncertain Significance.